The following is an entry in ClinVar:

NM_001148.6(ANK2):c.9728C>T (p.Ser3243Phe)

Gene: ANK2 (ankyrin 2; plus strand). Cytogenetic location: 4q26.
Variant type: single nucleotide variant.
Coding change: c.9728C>T on transcript NM_001148.6 (MANE Select); coding-DNA position 9728, C replaced by T.
Protein change: p.Ser3243Phe; replaces serine 3243 with phenylalanine.
Molecular consequence: missense variant. On other transcripts: intron variant (68).
Genome position (GRCh38, 1-based): chr4:113,358,346, C>T. VCF-style: chr4-113358346-C-T. GRCh37 (hg19) VCF-style: chr4-114279502-C-T.
Other names: c.9494C>T, p.Ser3165Phe (NM_001386142.1); c.6128C>T, p.Ser2043Phe (NM_001386166.1); c.9869C>T, p.Ser3290Phe (NM_001386174.1); c.9845C>T, p.Ser3282Phe (NM_001386175.1); c.4412-2477C>T (NM_001386186.2, NM_001386148.2); c.4397-2477C>T (NM_001354239.2, NM_001354252.2); c.4298-2477C>T (NM_001354272.2); c.4214-2477C>T (NM_001354269.3); and 35 more; short protein forms S3165F, S3243F, S3282F, S3290F, S2043F.
Identifiers: ClinVar variation 3675591 (VCV003675591.2).
Genomic context (GRCh38, chr4:113,358,346, plus strand): 5'-AGGACCTCCCCACCGTGCAAACGGGTGATATACCTCCTCTCTCTGGTGTAAAGCAGATAT[C>T]CTGCCCCGACTCTTCTGAACCAGCTGTACAAGTCCAGTTAGATTTTTCCACACTCACCAG-3'
Protein context (NP_001139.3, residues 3233-3253): IPPLSGVKQI[Ser3243Phe]CPDSSEPAVQ

ClinVar aggregate classification (germline): Uncertain significance (1 of 4 stars; one submission).

Conditions:
Long QT syndrome (LQTS). Identifiers: MedGen C0023976, MeSH D008133, MONDO:0002442. Disease mechanism: loss of function. Inheritance: Various modes of inheritance.

gnomAD v4.1: 1 of 1,613,976 alleles (0.000062%); highest among the groups gnomAD compares: Non-Finnish European, 0.000085%; no homozygotes.

Submission:

Labcorp Genetics (formerly Invitae), Labcorp
Classification: Uncertain significance for Long QT syndrome. Last evaluated: 2024-04-10. Review status: criteria provided, single submitter. Criteria: Invitae Variant Classification Sherloc (09022015). Collection method: clinical testing. Allele origin: germline.
Comment: This sequence change replaces serine, which is neutral and polar, with phenylalanine, which is neutral and non-polar, at codon 3243 of the ANK2 protein (p.Ser3243Phe). This variant is not present in population databases (gnomAD no frequency). This variant has not been reported in the literature in individuals affected with ANK2-related conditions. An algorithm developed to predict the effect of missense changes on protein structure and function (PolyPhen-2) suggests that this variant is likely to be disruptive. In summary, the available evidence is currently insufficient to determine the role of this variant in disease. Therefore, it has been classified as a Variant of Uncertain Significance.